The following is an entry in ClinVar:

NM_000179.3(MSH6):c.457+13A>G

Gene: MSH6 (mutS homolog 6; plus strand). Cytogenetic location: 2p16.3.
Variant type: single nucleotide variant.
Coding change: c.457+13A>G on transcript NM_000179.3 (MANE Select); 13 bases into the intron after coding-DNA position 457, A replaced by G.
Molecular consequence: intron variant.
Genome position (GRCh38, 1-based): chr2:47,791,136, A>G. VCF-style: chr2-47791136-A-G. GRCh37 (hg19) VCF-style: chr2-48018275-A-G.
Other names: c.-280+13A>G (NM_001281493.2); c.238-7475A>G (NM_001281492.2); c.-446+13A>G (NM_001281494.2).
Identifiers: ClinVar variation 89522 (VCV000089522.74), dbSNP rs1800933, ClinGen allele CA015567.
Genomic context (GRCh38, chr2:47,791,136, plus strand): 5'-GCCCAACAAGGGGCTGGGTTAGCAAAAGGCTTTTAAAGCCATATACAGGTAAGAGTCACT[A>G]CTGCCATGTGTGTGTGTTTGTGTGTGTGTGTGTGTGTGTGAGAGAAACAGACAGACAGGC-3'

ClinVar aggregate classification (germline): Likely benign. Review status: reviewed by expert panel (3 of 4 stars). 26 submissions from 26 submitters: Likely benign (1). 25 of the submissions do not count toward it. Last evaluated 2013-09-05.

Conditions:
Hereditary nonpolyposis colorectal neoplasms. Identifiers: MedGen C0009405, MeSH D003123.
Breast and/or ovarian cancer. Identifiers: MedGen CN221562.
Hereditary cancer-predisposing syndrome. Also called: Hereditary Cancer Syndrome; Tumor predisposition; Neoplastic Syndromes, Hereditary; Hereditary neoplastic syndrome. Identifiers: Orphanet 140162, MedGen C0027672, MeSH D009386, MONDO:0015356.
Lynch syndrome. Identifiers: Orphanet 144, MedGen C4552100, MONDO:0005835. Disease mechanism: loss of function.
Lynch syndrome 5 (LYNCH5). Also called: Hereditary non-polyposis colorectal cancer, type 5; Colorectal cancer, hereditary nonpolyposis, type 5. Identifiers: Orphanet 144, MedGen C1833477, MONDO:0013710, OMIM 614350. Disease mechanism: loss of function.
Carcinoma of colon (CRC). Also called: Colonic carcinoma; Colon carcinoma. Identifiers: MedGen C0699790, MONDO:0002032.

Allele frequency attached by ClinVar (database versions not stated): 1000 Genomes Project 30x 0.00344; TOPMed 0.00350; 1000 Genomes Project 0.00379; ESP Exome Variant Server 0.00431; gnomAD 0.00434 and 0.00458; gnomAD exomes 0.00521 and 0.00614; ExAC 0.00532.
gnomAD v4.1: 9,530 of 1,610,210 alleles (0.59%); highest among the groups gnomAD compares: South Asian, 1.1%; 52 homozygotes.

Submissions (26):

International Society for Gastrointestinal Hereditary Tumours (InSiGHT)
Classification: Likely benign for Lynch Syndrome. Last evaluated: 2013-09-05. Review status: reviewed by expert panel. Criteria: Guidelines v1.9. Collection method: research. Allele origin: germline.
Comment: Multifactorial likelihood analysis posterior probability 0.001-0.049

Classified with v1.9 guidelines

Labcorp Genetics (formerly Invitae), Labcorp
Classification: Benign for Hereditary nonpolyposis colorectal neoplasms. Last evaluated: 2026-02-04. Review status: criteria provided, single submitter. Criteria: Invitae Variant Classification Sherloc (09022015). Collection method: clinical testing. Allele origin: germline. Not counted in ClinVar's aggregate classification.

ARUP Laboratories, Molecular Genetics and Genomics, ARUP Laboratories
Classification: Benign. Last evaluated: 2025-07-30. Review status: criteria provided, single submitter. Criteria: ARUP Molecular Germline Variant Investigation Process 2024. Collection method: clinical testing. Allele origin: germline. Not counted in ClinVar's aggregate classification.

Center for Genomic Medicine, Rigshospitalet, Copenhagen University Hospital
Classification: Benign. Last evaluated: 2025-03-04. Review status: criteria provided, single submitter. Criteria: ACMG Guidelines, 2015. Collection method: clinical testing. Allele origin: germline. Not counted in ClinVar's aggregate classification.

Blueprint Genetics
Classification: Benign. Last evaluated: 2024-11-25. Review status: criteria provided, single submitter. Criteria: ACMG Guidelines, 2015. Collection method: clinical testing. Allele origin: germline. Not counted in ClinVar's aggregate classification.

KCCC/NGS Laboratory, Kuwait Cancer Control Center
Classification: Likely benign for Lynch syndrome 5. Last evaluated: 2023-07-07. Review status: criteria provided, single submitter. Criteria: ACMG Guidelines, 2015. Collection method: clinical testing. Allele origin: germline. Affected: yes. Not counted in ClinVar's aggregate classification.

CeGaT Center for Human Genetics Tuebingen
Classification: Benign. Last evaluated: 2023-01-01. Review status: criteria provided, single submitter. Criteria: CeGaT Center For Human Genetics Tuebingen Variant Classification Criteria Version 2. Collection method: clinical testing. Allele origin: germline. Affected: yes. Observed: 4 variant alleles. Not counted in ClinVar's aggregate classification.
Comment: MSH6: BS1, BS2

CHEO Genetics Diagnostic Laboratory, Children's Hospital of Eastern Ontario
Classification: Benign for Breast and/or ovarian cancer. Last evaluated: 2021-06-22. Review status: criteria provided, single submitter. Criteria: ACMG Guidelines, 2015. Collection method: clinical testing. Allele origin: germline. Not counted in ClinVar's aggregate classification.

Mendelics
Classification: Likely benign for Lynch syndrome 5. Last evaluated: 2019-05-28. Review status: criteria provided, single submitter. Criteria: Mendelics Assertion Criteria 2017. Collection method: clinical testing. Allele origin: unknown. Not counted in ClinVar's aggregate classification.

Illumina Laboratory Services, Illumina
Classification: Likely benign for Lynch syndrome 5. Last evaluated: 2018-02-22. Review status: criteria provided, single submitter. Criteria: ICSL Variant Classification Criteria 13 December 2019. Collection method: clinical testing. Allele origin: germline. Not counted in ClinVar's aggregate classification.
Comment: This variant was observed as part of a predisposition screen in an ostensibly healthy population. A literature search was performed for the gene, cDNA change, and amino acid change (where applicable). No publications were found based on this search. Allele frequency data from public databases allowed determination this variant is unlikely to cause disease. Therefore, this variant is classified as likely benign.

Institute for Biomarker Research, Medical Diagnostic Laboratories, L.L.C.
Classification: Likely benign for Hereditary cancer-predisposing syndrome. Last evaluated: 2017-07-12. Review status: criteria provided, single submitter. Criteria: ACMG Guidelines, 2015. Collection method: clinical testing. Allele origin: germline. Not counted in ClinVar's aggregate classification.

Vantari Genetics
Classification: Benign for Hereditary cancer-predisposing syndrome. Last evaluated: 2015-12-22. Review status: criteria provided, single submitter. Criteria: ACMG Guidelines, 2015. Collection method: clinical testing. Allele origin: germline. Not counted in ClinVar's aggregate classification.

Clinical Genetics DNA and cytogenetics Diagnostics Lab, Erasmus MC, Erasmus Medical Center
Classification: Benign for Lynch syndrome 5. Last evaluated: 2015-09-21. Review status: criteria provided, single submitter. Criteria: ACGS Guidelines, 2013. Collection method: clinical testing. Allele origin: germline. Affected: yes. Study: VKGL Data-share Consensus. Not counted in ClinVar's aggregate classification.

Color Diagnostics, LLC DBA Color Health
Classification: Benign for Hereditary cancer-predisposing syndrome. Last evaluated: 2015-04-06. Review status: criteria provided, single submitter. Criteria: ACMG Guidelines, 2015. Collection method: clinical testing. Allele origin: germline. Not counted in ClinVar's aggregate classification.

Ambry Genetics
Classification: Benign for Hereditary cancer-predisposing syndrome. Last evaluated: 2014-11-18. Review status: criteria provided, single submitter. Criteria: Ambry Variant Classification Scheme 2023. Collection method: clinical testing. Allele origin: germline. Not counted in ClinVar's aggregate classification.

GeneDx
Classification: Benign. Last evaluated: 2013-10-28. Review status: criteria provided, single submitter. Criteria: GeneDx Variant Classification (06012015). Collection method: clinical testing. Allele origin: germline. Affected: yes. Not counted in ClinVar's aggregate classification.
Comment: This variant is considered likely benign or benign based on one or more of the following criteria: it is a conservative change, it occurs at a poorly conserved position in the protein, it is predicted to be benign by multiple in silico algorithms, and/or has population frequency not consistent with disease.

Breakthrough Genomics
Classification: Likely benign. Review status: criteria provided, single submitter. Criteria: ACMG Guidelines, 2015. Collection method: not provided. Allele origin: germline. Inheritance: Autosomal recessive inheritance. Affected: yes. Not counted in ClinVar's aggregate classification.

PreventionGenetics, part of Exact Sciences
Classification: Benign. Review status: criteria provided, single submitter. Criteria: ACMG Guidelines, 2015. Collection method: clinical testing. Allele origin: germline. Not counted in ClinVar's aggregate classification.

Genome Diagnostics Laboratory, Amsterdam University Medical Center
Classification: Benign for Lynch syndrome 5. Last evaluated: 2016-10-07. Review status: no assertion criteria provided. Criteria: ACGS Guidelines, 2013. Collection method: clinical testing. Allele origin: germline. Affected: yes. Study: VKGL Data-share Consensus. Not counted in ClinVar's aggregate classification.

Clinical Genetics Laboratory, Department of Pathology, Netherlands Cancer Institute
Classification: Benign. Review status: no assertion criteria provided. Collection method: clinical testing. Allele origin: germline. Affected: yes. Study: VKGL Data-share Consensus. Not counted in ClinVar's aggregate classification.

Clinical Genetics, Academic Medical Center
Classification: Benign. Review status: no assertion criteria provided. Collection method: clinical testing. Allele origin: germline. Affected: yes. Study: VKGL Data-share Consensus. Not counted in ClinVar's aggregate classification.

Department of Pathology and Laboratory Medicine, Sinai Health System
Classification: Benign for Carcinoma of colon. Review status: no assertion criteria provided. Collection method: clinical testing. Allele origin: unknown. Affected: yes. Observed: 2 variant alleles. Study: The Canadian Open Genetics Repository (COGR). Not counted in ClinVar's aggregate classification.
Comment: The c.457+13A>G variant has been previously reported in the literature in individuals with CRC (8/295 chromosomes) but the frequency in controls did not differ significantly from the cases tested (6/185 chromosomes) (Peterlongo_2003_14520694, Woods_2005_16203774). This variant was listed in dbSNP (rs1800933) 'with untested allele' and reported from the 1000 genomes 4 times (MAF of 0.002) The exome variant server reported this variant in a European cohort with the following frequency increasing the likelihood this variant does not have clinical significance: G=54/A=8546. Further, this variant does not occur within the splicing consensus sequence increasing the likelihood this variant does not have clinical significance.

Diagnostic Laboratory, Department of Genetics, University Medical Center Groningen
Classification: Likely benign for Lynch syndrome 5. Review status: no assertion criteria provided. Collection method: clinical testing. Allele origin: germline. Affected: yes. Study: VKGL Data-share Consensus. Not counted in ClinVar's aggregate classification.

Joint Genome Diagnostic Labs from Nijmegen and Maastricht, Radboudumc and MUMC+
Classification: Benign. Review status: no assertion criteria provided. Collection method: clinical testing. Allele origin: germline. Affected: yes. Study: VKGL Data-share Consensus. Not counted in ClinVar's aggregate classification.

Laboratory of Diagnostic Genome Analysis, Leiden University Medical Center (LUMC)
Classification: Likely benign. Review status: no assertion criteria provided. Collection method: clinical testing. Allele origin: germline. Affected: yes. Study: VKGL Data-share Consensus. Not counted in ClinVar's aggregate classification.

Mayo Clinic Laboratories, Mayo Clinic
Classification: Likely benign. Review status: no assertion criteria provided. Collection method: clinical testing. Allele origin: unknown. Not counted in ClinVar's aggregate classification.